The following is an entry in ClinVar:

ClinVar aggregate classification (germline): Conflicting classifications of pathogenicity. Review status: criteria provided, conflicting classifications (1 of 4 stars). 10 submissions from 10 submitters: Uncertain significance (4); Benign (1); Likely benign (5). Last evaluated 2026-01-26.

Conditions:
LYST-related disorder. Also called: LYST-related condition.
Chédiak-Higashi syndrome (CHS). Also called: Chediak-Higashi Syndrome. Identifiers: Orphanet 167, MedGen C0007965, MONDO:0008963, OMIM 214500.

Allele frequency attached by ClinVar (database versions not stated): gnomAD 0.00009 and 0.00011; gnomAD exomes 0.00012 and 0.00024; TOPMed 0.00012; ExAC 0.00025.
gnomAD v4.1: 224 of 1,598,090 alleles (0.014%); highest among the groups gnomAD compares: East Asian, 0.41%; 2 homozygotes.

Submissions (12):

Labcorp Genetics (formerly Invitae), Labcorp
Classification: Likely benign for Chédiak-Higashi syndrome. Last evaluated: 2026-01-26. Review status: criteria provided, single submitter. Criteria: Invitae Variant Classification Sherloc (09022015). Collection method: clinical testing. Allele origin: germline.

Mayo Clinic Laboratories, Mayo Clinic
Classification: Likely benign. Last evaluated: 2025-08-13. Review status: criteria provided, single submitter. Criteria: ACMG Guidelines, 2015. Collection method: clinical testing. Allele origin: germline. Observed: 1 variant allele.
Comment: BS1, BP4_moderate

PreventionGenetics, part of Exact Sciences
Classification: Likely benign for LYST-related condition. Last evaluated: 2024-11-19. Review status: criteria provided, single submitter. Criteria: ACMG Guidelines, 2015. Collection method: clinical testing. Allele origin: germline.
Comment: This variant is classified as likely benign based on ACMG/AMP sequence variant interpretation guidelines (Richards et al. 2015 PMID: 25741868, with internal and published modifications).

Blueprint Genetics
Classification: Benign. Last evaluated: 2024-11-15. Review status: criteria provided, single submitter. Criteria: ACMG Guidelines, 2015. Collection method: clinical testing. Allele origin: germline.

Women's Health and Genetics/Laboratory Corporation of America, LabCorp
Classification: Likely benign. Last evaluated: 2024-10-28. Review status: criteria provided, single submitter. Criteria: LabCorp Variant Classification Summary - May 2015. Collection method: clinical testing. Allele origin: germline.
Comment: Variant summary: LYST c.281C>T (p.Thr94Ile) results in a non-conservative amino acid change in the encoded protein sequence. Four of five in-silico tools predict a benign effect of the variant on protein function. Consensus agreement among computation tools predict no significant impact on normal splicing. However, these predictions have yet to be confirmed by functional studies. The variant allele was found at a frequency of 0.0014 in 327814 control chromosomes, predominantly at a frequency of 0.0053 within the Japanese subpopulation, including 2 homozygotes (gnomAD and jMorp databases; Tadaka_2021). The observed variant frequency within Japanese control individuals in the jMorp database is approximately 5 fold of the estimated maximal expected allele frequency for a pathogenic variant in LYST causing Chediak-Higashi Syndrome phenotype (0.0011), strongly suggesting that the variant is a benign polymorphism found primarily in populations of East Asian/Japanese origin. c.281C>T has been reported in the literature in at least one individual affected with T-cell deficiency, CD4 lymphopenia, and interstitial lung disease (e.g., Yu_2016, Stray-Pedersen_2017), however without strong evidence for causality (e.g., absence of a second pathogenic LYST variant). These reports therefore do not provide unequivocal conclusions about association of the variant with Chediak-Higashi Syndrome. To our knowledge, no experimental evidence demonstrating an impact on protein function has been reported. The following publications have been ascertained in the context of this evaluation (PMID: 27577878, 27484032, 33179747,38808104). ClinVar contains an entry for this variant (Variation ID: 211408). Based on the evidence outlined above, the variant was classified as likely benign.

Department of Pathology and Laboratory Medicine, Sinai Health System
Classification: Uncertain significance for Chédiak-Higashi syndrome. Last evaluated: 2023-12-15. Review status: criteria provided, single submitter. Criteria: ACMG Guidelines, 2015. Collection method: research. Allele origin: germline.

Center for Genomics, Ann and Robert H. Lurie Children's Hospital of Chicago
Classification: Uncertain significance for Chédiak-Higashi syndrome. Last evaluated: 2021-03-30. Review status: criteria provided, single submitter. Criteria: ACMG Guidelines, 2015. Collection method: clinical testing. Allele origin: germline.
Comment: LYST NM_000081.3 exon 4 p.Thr94Ile (c.281C>T):This variant has been reported in the literature in at least 1 individual with T-cell deficiency as a compound heterozygote (StrayPedersen 2016 PMID:27577878, Yu 2016 PMID:2748032). Of note, the variant that was found in trans in this individual (p.Arg2261His) has been reported in ClinVar as Benign by multiple laboratories. This variant is present in 0.3% (67/19846) of East Asian alleles including 1 homozygote in the Genome Aggregation Database. This variant is present in ClinVar (Variation ID:211408). This variant amino acid Isoleucine (Ile) is present in >15 species including mammals, and is not well conserved among evolutionarily distant species; this suggests that this variant may not impact the protein. Additional computational prediction tools do not suggest an impact. In summary, data on this variant is insufficient for disease classification. Therefore, the clinical significance of this variant is uncertain.

GeneDx
Classification: Likely benign. Last evaluated: 2019-08-26. Review status: criteria provided, single submitter. Criteria: GeneDx Variant Classification Process June 2021. Collection method: clinical testing. Allele origin: germline. Affected: yes.
Comment: See Variant Classification Assertion Criteria.

Illumina Laboratory Services, Illumina
Classification: Uncertain significance for Chédiak-Higashi syndrome. Last evaluated: 2018-01-13. Review status: criteria provided, single submitter. Criteria: ICSL Variant Classification Criteria 13 December 2019. Collection method: clinical testing. Allele origin: germline.

Genetic Services Laboratory, University of Chicago
Classification: Uncertain significance. Last evaluated: 2015-02-04. Review status: criteria provided, single submitter. Criteria: ACMG Guidelines, 2015. Collection method: clinical testing. Allele origin: germline.

Dr. Peter K. Rogan Lab, Western University
No classification provided (evidence only). Condition: Ovarian serous cystadenocarcinoma. Review status: no classification provided. Collection method: in vitro. Allele origin: not applicable. Functional consequence: retained intron. Not counted in ClinVar's aggregate classification.

Dr. Peter K. Rogan Lab, Western University
No classification provided (evidence only). Condition: Hepatocellular carcinoma. Review status: no classification provided. Collection method: in vitro. Allele origin: not applicable. Functional consequence: retained intron. Not counted in ClinVar's aggregate classification.

Literature cited by the submitters: PubMed 27484032 (cited by Mayo Clinic Laboratories, Mayo Clinic and Women's Health and Genetics/Laboratory Corporation of America, LabCorp); PubMed 27577878 (cited by Mayo Clinic Laboratories, Mayo Clinic and Women's Health and Genetics/Laboratory Corporation of America, LabCorp); PubMed 37647632 (cited by Mayo Clinic Laboratories, Mayo Clinic); PubMed 33179747 (cited by Women's Health and Genetics/Laboratory Corporation of America, LabCorp); PubMed 38808104 (cited by Women's Health and Genetics/Laboratory Corporation of America, LabCorp).

NM_000081.4(LYST):c.281C>T (p.Thr94Ile)

Gene: LYST (lysosomal trafficking regulator; minus strand). Cytogenetic location: 1q42.3.
Variant type: single nucleotide variant.
Coding change: c.281C>T on transcript NM_000081.4 (MANE Select); coding-DNA position 281, C replaced by T.
Protein change: p.Thr94Ile; replaces threonine 94 with isoleucine.
Molecular consequence: missense variant.
Genome position (GRCh38, 1-based): chr1:235,812,973, G>A on the plus strand (C>T on the coding strand, the complement: LYST is on the minus strand). VCF-style: chr1-235812973-G-A. GRCh37 (hg19) VCF-style: chr1-235976273-G-A.
Other names: p.Thr94Ile; c.281C>T, p.Thr94Ile (NM_001301365.1); short protein forms T94I.
Identifiers: ClinVar variation 211408 (VCV000211408.32), dbSNP rs777389303, ClinGen allele CA205750.